The following is an entry in ClinVar:

ClinVar aggregate classification (germline): Likely pathogenic (1 of 4 stars; one submission).

Submission:

GeneDx
Classification: Likely pathogenic. Last evaluated: 2015-05-07. Review status: criteria provided, single submitter. Criteria: GeneDx Variant Classification (06012015). Collection method: clinical testing. Allele origin: germline. Affected: yes.
Comment: The I1631N variant has not been published as a pathogenic variant, nor has it been reported as a benign polymorphism to our knowledge. It was not observed in approximately 6,400 individuals of European and African American ancestry in the NHLBI Exome Sequencing Project, indicating it is not a common benign variant in these populations. The I1631N variant is a non-conservative amino acid substitution, which is likely to impact secondary protein structure as these residues differ in polarity, charge, size and/or other properties. This substitution alters a conserved position predicted to be in the transmembrane segment S4 (voltage sensor) in the fourth homologous domain, and in silico analysis predicts this variant is probably damaging to the protein structure/function. Therefore, this variant is a strong candidate for a pathogenic variant, however the possibility that it is a benign variant cannot be excluded.

NM_001330260.2(SCN8A):c.4892T>A (p.Ile1631Asn)

Gene: SCN8A (sodium voltage-gated channel alpha subunit 8; plus strand). Cytogenetic location: 12q13.13.
Variant type: single nucleotide variant.
Coding change: c.4892T>A on transcript NM_001330260.2 (MANE Select); coding-DNA position 4892, T replaced by A.
Protein change: p.Ile1631Asn; replaces isoleucine 1631 with asparagine.
Molecular consequence: missense variant.
Genome position (GRCh38, 1-based): chr12:51,806,378, T>A. VCF-style: chr12-51806378-T-A. GRCh37 (hg19) VCF-style: chr12-52200162-T-A.
Other names: c.4769T>A, p.Ile1590Asn (NM_001177984.3, NM_001369788.1); c.4892T>A, p.Ile1631Asn (NM_014191.4); short protein forms I1631N, I1590N.
Identifiers: ClinVar variation 427167 (VCV000427167.2), dbSNP rs1085307999, ClinGen allele CA384880452.